The following is an entry in ClinVar:

NM_001387263.1(PATL2):c.911dup (p.Leu305fs)

Gene: PATL2 (PAT1 homolog 2; minus strand). Cytogenetic location: 15q21.1.
Variant type: Duplication.
Coding change: c.911dup on transcript NM_001387263.1 (MANE Select); coding-DNA position 911, one base duplicated (T; older notation c.911dupT).
Protein change: p.Leu305fs; shifts the reading frame from leucine 305.
Molecular consequence: frameshift variant.
Genome position (GRCh38, 1-based): chr15:44,669,529, A duplicated on the plus strand (T on the coding strand, the reverse complement: PATL2 is on the minus strand). VCF-style (leftmost placement, unchanged base first): chr15-44669528-T-TA. GRCh37 (hg19) VCF-style: chr15-44961726-T-TA.
Other names: c.911dup, p.Leu305fs (NM_001145112.2, NM_001387261.1, NM_001387262.1); c.344dup, p.Leu116fs (NM_001330283.2); c.818dup, p.Leu274fs (NM_001387260.1, NM_001387264.1); c.911dupT (NM_001387263.1); short protein forms L116fs, L274fs, L305fs.
Identifiers: ClinVar variation 4845685 (VCV004845685.1).
Genomic context (GRCh38, chr15:44,669,528, plus strand): 5'-AAGGTAGGTTTGGAACTCGTCCCTAAGGAACTGATATCTCACCTTCTCAATCCGGTATAA[T>TA]ACCCGAAGCCTCTGACTGCTTGCAGCTTCTATATCCTAGGAGAAGGGAGTCACCAGCTAT-3'

ClinVar aggregate classification (germline): Likely pathogenic (1 of 4 stars; one submission).

Conditions:
Oocyte maturation defect 4. Also called: OOCYTE/ZYGOTE/EMBRYO MATURATION ARREST 4. Identifiers: MedGen C4540284, MONDO:0021575, OMIM 617743.

Submission:

First Genomix Gene Laboratory, Genetic Diagnostics Department
Classification: Likely pathogenic for Oocyte maturation defect 4. Last evaluated: 2025-01-28. Review status: criteria provided, single submitter. Criteria: ACMG Guidelines, 2015. Collection method: clinical testing. Allele origin: germline. Inheritance: Autosomal recessive inheritance. Affected: no. Observed: 1 variant allele.